The following is an entry in ClinVar:

ClinVar aggregate classification (germline): Conflicting classifications of pathogenicity. Review status: criteria provided, conflicting classifications (1 of 4 stars). 4 submissions from 4 submitters: Uncertain significance (2); Likely benign (1). 1 of the submissions does not count toward it. Last evaluated 2026-07-01.

Conditions:
SLC11A2-related disorder. Also called: SLC11A2-related condition.
Microcytic anemia with liver iron overload. Also called: Anemia, hypochromic microcytic, with iron overload 1. Identifiers: Orphanet 83642, MedGen C3806153, MONDO:0008787, OMIM 206100.

Allele frequency attached by ClinVar (database versions not stated): 1000 Genomes Project 30x 0.00016; 1000 Genomes Project 0.00020; TOPMed 0.00094; gnomAD exomes 0.00095 and 0.00168; ExAC 0.00106; gnomAD 0.00111 and 0.00118; ESP Exome Variant Server 0.00123.
gnomAD v4.1: 2,583 of 1,613,756 alleles (0.16%); highest among the groups gnomAD compares: Non-Finnish European, 0.2%; 6 homozygotes.

Submissions (4):

CeGaT Center for Human Genetics Tuebingen
Classification: Likely benign. Last evaluated: 2026-07-01. Review status: criteria provided, single submitter. Criteria: CeGaT Center For Human Genetics Tuebingen Variant Classification Criteria Version 2. Collection method: clinical testing. Allele origin: germline. Affected: yes. Observed: 1 variant allele.
Comment: SLC11A2: BS2

Labcorp Genetics (formerly Invitae), Labcorp
Classification: Uncertain significance. Last evaluated: 2025-08-21. Review status: criteria provided, single submitter. Criteria: Invitae Variant Classification Sherloc (09022015). Collection method: clinical testing. Allele origin: germline.
Comment: This sequence change replaces serine, which is neutral and polar, with asparagine, which is neutral and polar, at codon 66 of the SLC11A2 protein (p.Ser66Asn). This variant is present in population databases (rs141728916, gnomAD 0.2%), and has an allele count higher than expected for a pathogenic variant. This variant has not been reported in the literature in individuals affected with SLC11A2-related conditions. ClinVar contains an entry for this variant (Variation ID: 309322). Invitae Evidence Modeling of protein sequence and biophysical properties (such as structural, functional, and spatial information, amino acid conservation, physicochemical variation, residue mobility, and thermodynamic stability) indicates that this missense variant is not expected to disrupt SLC11A2 protein function with a negative predictive value of 80%. In summary, the available evidence is currently insufficient to determine the role of this variant in disease. Therefore, it has been classified as a Variant of Uncertain Significance.

Illumina Laboratory Services, Illumina
Classification: Uncertain significance for Microcytic anemia with liver iron overload. Last evaluated: 2018-01-13. Review status: criteria provided, single submitter. Criteria: ICSL Variant Classification Criteria 13 December 2019. Collection method: clinical testing. Allele origin: germline.

PreventionGenetics, part of Exact Sciences
Classification: Likely benign for SLC11A2-related condition. Last evaluated: 2022-02-26. Review status: no assertion criteria provided. Collection method: clinical testing. Allele origin: germline. Not counted in ClinVar's aggregate classification.
Comment: This variant is classified as likely benign based on ACMG/AMP sequence variant interpretation guidelines (Richards et al. 2015 PMID: 25741868, with internal and published modifications).

NM_000617.3(SLC11A2):c.197G>A (p.Ser66Asn)

Gene: SLC11A2 (solute carrier family 11 member 2; minus strand). Cytogenetic location: 12q13.12.
Variant type: single nucleotide variant.
Coding change: c.197G>A on transcript NM_000617.3 (MANE Select); coding-DNA position 197, G replaced by A.
Protein change: p.Ser66Asn; replaces serine 66 with asparagine.
Molecular consequence: missense variant. On other transcripts: non-coding transcript variant (5).
Genome position (GRCh38, 1-based): chr12:51,005,423, C>T on the plus strand (G>A on the coding strand, the complement: SLC11A2 is on the minus strand). VCF-style: chr12-51005423-C-T. GRCh37 (hg19) VCF-style: chr12-51399206-C-T.
Other names: c.284G>A, p.Ser95Asn (NM_001174125.2, NM_001379446.1, NM_001379455.1); c.197G>A, p.Ser66Asn (NM_001174126.2, NM_001174127.2, NM_001174128.2 and 5 more transcripts); c.185G>A, p.Ser62Asn (NM_001174130.2, NM_001379448.1); c.86G>A, p.Ser29Asn (NM_001414747.1, NM_001414748.1); c.-41G>A (NM_001414749.1, NM_001414750.1); short protein forms S95N, S66N, S62N, S29N.
Identifiers: ClinVar variation 309322 (VCV000309322.13), dbSNP rs141728916, ClinGen allele CA6566826.